The following is an entry in ClinVar:

ClinVar aggregate classification (germline): Uncertain significance (1 of 4 stars; one submission).

Allele frequency attached by ClinVar (database versions not stated): gnomAD exomes 0.00001; ExAC 0.00004.
gnomAD v4.1: 3 of 1,599,048 alleles (0.00019%); highest among the groups gnomAD compares: Non-Finnish European, 0.00026%; no homozygotes.

Submission:

CeGaT Center for Human Genetics Tuebingen
Classification: Uncertain significance. Last evaluated: 2023-06-01. Review status: criteria provided, single submitter. Criteria: CeGaT Center For Human Genetics Tuebingen Variant Classification Criteria Version 2. Collection method: clinical testing. Allele origin: germline. Affected: yes. Observed: 1 variant allele.
Comment: MINK1: PM1, PM2, PP2

NM_153827.5(MINK1):c.3377G>A (p.Arg1126Gln)

Gene: MINK1 (misshapen like kinase 1; plus strand). Cytogenetic location: 17p13.2.
Variant type: single nucleotide variant.
Coding change: c.3377G>A on transcript NM_153827.5 (MANE Select); coding-DNA position 3377, G replaced by A.
Protein change: p.Arg1126Gln; replaces arginine 1126 with glutamine.
Molecular consequence: missense variant.
Genome position (GRCh38, 1-based): chr17:4,896,015, G>A. VCF-style: chr17-4896015-G-A. GRCh37 (hg19) VCF-style: chr17-4799310-G-A.
Other names: c.3317G>A, p.Arg1106Gln (NM_001024937.4); c.3101G>A, p.Arg1034Gln (NM_001321236.2); c.3266G>A, p.Arg1089Gln (NM_015716.5); c.3290G>A, p.Arg1097Gln (NM_170663.5); short protein forms R1034Q, R1089Q, R1097Q, R1106Q, R1126Q.
Identifiers: ClinVar variation 2647275 (VCV002647275.24), dbSNP rs752334893, ClinGen allele CA8313484.
Genomic context (GRCh38, chr17:4,896,015, plus strand): 5'-TGGCGCAAGAAGGGAAGTCTCAGCATCCCTCTTCTCTCCCGCCCCCAGTGAAATACGAGC[G>A]GATTAAGTTCCTGGTCATCGCCCTCAAGAGCTCCGTGGAGGTGTATGCCTGGGCCCCCAA-3'
Protein context (NP_722549.2, residues 1116-1136): CGHYRVVKYE[Arg1126Gln]IKFLVIALKS